The following is an entry in ClinVar:

NM_005618.4(DLL1):c.1099G>A (p.Ala367Thr)

Gene: DLL1 (delta like canonical Notch ligand 1; minus strand). Cytogenetic location: 6q27.
Variant type: single nucleotide variant.
Coding change: c.1099G>A on transcript NM_005618.4 (MANE Select); coding-DNA position 1099, G replaced by A.
Protein change: p.Ala367Thr; replaces alanine 367 with threonine.
Molecular consequence: missense variant.
Genome position (GRCh38, 1-based): chr6:170,285,069, C>T on the plus strand (G>A on the coding strand, the complement: DLL1 is on the minus strand). VCF-style: chr6-170285069-C-T. GRCh37 (hg19) VCF-style: chr6-170594157-C-T.
Other names: short protein forms A367T.
Identifiers: ClinVar variation 1925651 (VCV001925651.10), dbSNP rs200985462, ClinGen allele CA152192032.

ClinVar aggregate classification (germline): Uncertain significance. Review status: criteria provided, multiple submitters, no conflicts (2 of 4 stars). 3 submissions from 3 submitters: Uncertain significance (3). Last evaluated 2024-12-22.

Conditions:
Neurodevelopmental disorder with nonspecific brain abnormalities and with or without seizures. Identifiers: MedGen C5231470, MONDO:0032877, OMIM 618709.
Inborn genetic diseases. Identifiers: MedGen C0950123, MeSH D030342.

Allele frequency attached by ClinVar (database versions not stated): gnomAD exomes 0.00002; TOPMed 0.00002; gnomAD 0.00003; ESP Exome Variant Server 0.00008.

Submissions (3):

Ambry Genetics
Classification: Uncertain significance for Inborn genetic diseases. Last evaluated: 2024-12-22. Review status: criteria provided, single submitter. Criteria: Ambry Variant Classification Scheme 2023. Collection method: clinical testing. Allele origin: germline.

Labcorp Genetics (formerly Invitae), Labcorp
Classification: Uncertain significance. Last evaluated: 2023-01-17. Review status: criteria provided, single submitter. Criteria: Invitae Variant Classification Sherloc (09022015). Collection method: clinical testing. Allele origin: germline.
Comment: In summary, the available evidence is currently insufficient to determine the role of this variant in disease. Therefore, it has been classified as a Variant of Uncertain Significance. Algorithms developed to predict the effect of missense changes on protein structure and function are either unavailable or do not agree on the potential impact of this missense change (SIFT: "Tolerated"; PolyPhen-2: "Possibly Damaging"; Align-GVGD: "Class C0"). This variant has not been reported in the literature in individuals affected with DLL1-related conditions. This variant is present in population databases (rs200985462, gnomAD 0.01%). This sequence change replaces alanine, which is neutral and non-polar, with threonine, which is neutral and polar, at codon 367 of the DLL1 protein (p.Ala367Thr).

Revvity Omics, Revvity
Classification: Uncertain significance for Neurodevelopmental disorder with nonspecific brain abnormalities and with or without seizures. Last evaluated: 2022-01-29. Review status: criteria provided, single submitter. Criteria: ACMG Guidelines, 2015. Collection method: clinical testing. Allele origin: germline.